The following is an entry in ClinVar:

ClinVar aggregate classification (germline): Likely benign. Review status: criteria provided, multiple submitters, no conflicts (2 of 4 stars). 3 submissions from 3 submitters: Likely benign (3). Last evaluated 2025-08-19.

Conditions:
Pyruvate dehydrogenase E2 deficiency (PDHDD). Also called: LACTIC ACIDEMIA DUE TO DEFECT OF E2 LIPOYL TRANSACETYLASE OF THE PYRUVATE DEHYDROGENASE COMPLEX; Dihydrolipoamide Acetyltransferase (E2) Deficiency. Identifiers: Orphanet 765, Orphanet 79244, MedGen C1855565, MONDO:0009502, OMIM 245348.

Allele frequency attached by ClinVar (database versions not stated): TOPMed 0.00003; gnomAD 0.00004 and 0.00006; 1000 Genomes Project 30x 0.00062; 1000 Genomes Project 0.00080.
gnomAD v4.1: 49 of 1,611,244 alleles (0.003%); highest among the groups gnomAD compares: East Asian, 0.078%; no homozygotes.

Submissions (3):

Labcorp Genetics (formerly Invitae), Labcorp
Classification: Likely benign for Pyruvate dehydrogenase E2 deficiency. Last evaluated: 2025-08-19. Review status: criteria provided, single submitter. Criteria: Invitae Variant Classification Sherloc (09022015). Collection method: clinical testing. Allele origin: germline.

GeneDx
Classification: Likely benign. Last evaluated: 2017-01-25. Review status: criteria provided, single submitter. Criteria: GeneDx Variant Classification (06012015). Collection method: clinical testing. Allele origin: germline. Affected: yes.
Comment: This variant is considered likely benign or benign based on one or more of the following criteria: it is a conservative change, it occurs at a poorly conserved position in the protein, it is predicted to be benign by multiple in silico algorithms, and/or has population frequency not consistent with disease.

Breakthrough Genomics
Classification: Likely benign. Review status: criteria provided, single submitter. Criteria: ACMG Guidelines, 2015. Collection method: not provided. Allele origin: germline. Inheritance: Autosomal recessive inheritance. Affected: yes.

NM_001931.5(DLAT):c.1542G>A (p.Ala514=)

Genes: PIH1D2 (PIH1 domain containing 2; minus strand), DLAT (dihydrolipoamide S-acetyltransferase; plus strand). Cytogenetic location: 11q23.1.
Variant type: single nucleotide variant.
Coding change: c.1542G>A on transcript NM_001931.5 (MANE Select); coding-DNA position 1542, G replaced by A.
Protein change: p.Ala514=; no amino-acid change (alanine 514 retained).
Molecular consequence: synonymous variant. On other transcripts: non-coding transcript variant (1).
Genome position (GRCh38, 1-based): chr11:112,059,930, G>A. VCF-style: chr11-112059930-G-A. GRCh37 (hg19) VCF-style: chr11-111930654-G-A.
Other names: c.1560G>A, p.Ala520= (NM_001372031.1); c.1536G>A, p.Ala512= (NM_001372032.1); c.1521G>A, p.Ala507= (NM_001372033.1); c.1509G>A, p.Ala503= (NM_001372034.1); c.1434G>A, p.Ala478= (NM_001372035.1); c.1416G>A, p.Ala472= (NM_001372036.1); c.1374G>A, p.Ala458= (NM_001372037.1); c.1263G>A, p.Ala421= (NM_001372038.1); and 4 more.
Identifiers: ClinVar variation 510907 (VCV000510907.10), dbSNP rs587652725, ClinGen allele CA6276962.